The following is an entry in ClinVar:

ClinVar aggregate classification (germline): Uncertain significance. Review status: criteria provided, multiple submitters, no conflicts (2 of 4 stars). 2 submissions from 2 submitters: Uncertain significance (2). Last evaluated 2026-01-05.

Conditions:
Holoprosencephaly 9 (HPE9). Also called: HOLOPROSENCEPHALY WITH MICROPHTHALMIA AND FIRST BRANCHIAL ARCH ANOMALIES; PITUITARY ANOMALIES WITH HOLOPROSENCEPHALY-LIKE FEATURES. Identifiers: Orphanet 2162, MedGen C1835819, MONDO:0012563, OMIM 610829.
Postaxial polydactyly-anterior pituitary anomalies-facial dysmorphism syndrome. Also called: Culler-Jones syndrome. Identifiers: Orphanet 420584, MedGen C4014479, MONDO:0014369, OMIM 615849.

Allele frequency attached by ClinVar (database versions not stated): gnomAD 0.00006 and 0.00008; ExAC 0.00006; gnomAD exomes 0.00007 and 0.00002; 1000 Genomes Project 30x 0.00031; TOPMed 0.00007; 1000 Genomes Project 0.00040.
gnomAD v4.1: 42 of 1,613,650 alleles (0.0026%); highest among the groups gnomAD compares: Admixed American, 0.028%; no homozygotes.

Submissions (2):

Labcorp Genetics (formerly Invitae), Labcorp
Classification: Uncertain significance for Postaxial polydactyly-anterior pituitary anomalies-facial dysmorphism syndrome; Holoprosencephaly 9. Last evaluated: 2026-01-05. Review status: criteria provided, single submitter. Criteria: Invitae Variant Classification Sherloc (09022015). Collection method: clinical testing. Allele origin: germline.
Comment: This sequence change replaces valine, which is neutral and non-polar, with methionine, which is neutral and non-polar, at codon 681 of the GLI2 protein (p.Val681Met). This variant is present in population databases (rs551617843, gnomAD 0.04%), and has an allele count higher than expected for a pathogenic variant. This missense change has been observed in individual(s) with GLI2-related conditions (PMID: 38096238). ClinVar contains an entry for this variant (Variation ID: 1411228). Invitae Evidence Modeling of protein sequence and biophysical properties (such as structural, functional, and spatial information, amino acid conservation, physicochemical variation, residue mobility, and thermodynamic stability) indicates that this missense variant is not expected to disrupt GLI2 protein function with a negative predictive value of 80%. In summary, the available evidence is currently insufficient to determine the role of this variant in disease. Therefore, it has been classified as a Variant of Uncertain Significance.

Fulgent Genetics
Classification: Uncertain significance for Holoprosencephaly 9; Postaxial polydactyly-anterior pituitary anomalies-facial dysmorphism syndrome. Last evaluated: 2021-12-03. Review status: criteria provided, single submitter. Criteria: ACMG Guidelines, 2015. Collection method: clinical testing. Allele origin: unknown.

Literature cited by the submitters: PubMed 38096238 (cited by Labcorp Genetics (formerly Invitae), Labcorp).

NM_001374353.1(GLI2):c.1990G>A (p.Val664Met)

Gene: GLI2 (GLI family zinc finger 2; plus strand). Cytogenetic location: 2q14.2.
Variant type: single nucleotide variant.
Coding change: c.1990G>A on transcript NM_001374353.1 (MANE Select); coding-DNA position 1990, G replaced by A.
Protein change: p.Val664Met; replaces valine 664 with methionine.
Molecular consequence: missense variant.
Genome position (GRCh38, 1-based): chr2:120,986,362, G>A. VCF-style: chr2-120986362-G-A. GRCh37 (hg19) VCF-style: chr2-121743938-G-A.
Other names: c.2041G>A, p.Val681Met (NM_001371271.1, NM_005270.5); c.1615G>A, p.Val539Met (NM_001374354.1); short protein forms V664M, V539M, V681M.
Identifiers: ClinVar variation 1411228 (VCV001411228.7), dbSNP rs551617843, ClinGen allele CA1852101.